The following is an entry in ClinVar:

NM_014028.4(OSTM1):c.36T>G (p.Cys12Trp)

Genes: OSTM1 (osteoclastogenesis associated transmembrane protein 1; minus strand), LOC129996933 (ATAC-STARR-seq lymphoblastoid silent region 17446; plus strand). Cytogenetic location: 6q21.
Variant type: single nucleotide variant.
Coding change: c.36T>G on transcript NM_014028.4 (MANE Select); coding-DNA position 36, T replaced by G.
Protein change: p.Cys12Trp; replaces cysteine 12 with tryptophan.
Molecular consequence: missense variant.
Genome position (GRCh38, 1-based): chr6:108,074,616, A>C on the plus strand (T>G on the coding strand, the complement: OSTM1 is on the minus strand). VCF-style: chr6-108074616-A-C. GRCh37 (hg19) VCF-style: chr6-108395820-A-C.
Other names: c.36T>G (NM_014028.3); short protein forms C12W.
Identifiers: ClinVar variation 1413303 (VCV001413303.4), dbSNP rs119460973, ClinGen allele CA365331490.

ClinVar aggregate classification (germline): Uncertain significance. Review status: criteria provided, multiple submitters, no conflicts (2 of 4 stars). 2 submissions from 2 submitters: Uncertain significance (2). Last evaluated 2022-12-06.

Conditions:
Inborn genetic diseases. Identifiers: MedGen C0950123, MeSH D030342.

Allele frequency attached by ClinVar (database versions not stated): gnomAD exomes 0.00001; TOPMed 0.00001.

Submissions (2):

Ambry Genetics
Classification: Uncertain significance for Inborn genetic diseases. Last evaluated: 2022-12-06. Review status: criteria provided, single submitter. Criteria: Ambry Variant Classification Scheme 2023. Collection method: clinical testing. Allele origin: germline.

Labcorp Genetics (formerly Invitae), Labcorp
Classification: Uncertain significance. Last evaluated: 2022-04-09. Review status: criteria provided, single submitter. Criteria: Invitae Variant Classification Sherloc (09022015). Collection method: clinical testing. Allele origin: germline.
Comment: This sequence change replaces cysteine, which is neutral and slightly polar, with tryptophan, which is neutral and slightly polar, at codon 12 of the OSTM1 protein (p.Cys12Trp). The frequency data for this variant in the population databases is considered unreliable, as metrics indicate poor data quality at this position in the gnomAD database. This variant has not been reported in the literature in individuals affected with OSTM1-related conditions. Algorithms developed to predict the effect of missense changes on protein structure and function are either unavailable or do not agree on the potential impact of this missense change (SIFT: "Deleterious"; PolyPhen-2: "Benign"; Align-GVGD: "Class C0"). In summary, the available evidence is currently insufficient to determine the role of this variant in disease. Therefore, it has been classified as a Variant of Uncertain Significance.